The following is an entry in ClinVar:

NM_000059.4(BRCA2):c.7124T>G (p.Leu2375Ter)

Gene: BRCA2 (BRCA2 DNA repair associated; plus strand). Cytogenetic location: 13q13.1.
Variant type: single nucleotide variant.
Coding change: c.7124T>G on transcript NM_000059.4 (MANE Select); coding-DNA position 7124, T replaced by G.
Protein change: p.Leu2375Ter; replaces leucine 2375 with a stop codon.
Molecular consequence: nonsense.
Genome position (GRCh38, 1-based): chr13:32,354,977, T>G. VCF-style: chr13-32354977-T-G. GRCh37 (hg19) VCF-style: chr13-32929114-T-G.
Other names: 7352T>G (L2375X); short protein forms L2375*.
Identifiers: ClinVar variation 266986 (VCV000266986.13), dbSNP rs886040687, ClinGen allele CA10589413.

ClinVar aggregate classification (germline): Pathogenic. Review status: reviewed by expert panel (3 of 4 stars). 6 submissions from 6 submitters: Pathogenic (1). 5 of the submissions do not count toward it. Last evaluated 2016-10-18.

Conditions:
Breast-ovarian cancer, familial, susceptibility to, 2 (BROVCA2). Also called: BRCA2 Hereditary Breast and Ovarian Cancer. Identifiers: Orphanet 145, MedGen C2675520, MONDO:0012933, OMIM 612555. Disease mechanism: loss of function.
Hereditary breast ovarian cancer syndrome. Also called: BRCA1- and BRCA2-Associated Hereditary Breast and Ovarian Cancer; Hereditary breast and ovarian cancer; Breast and ovarian cancer; Hereditary breast and/or ovarian cancer syndrome; Hereditary breast and ovarian cancer syndrome; Hereditary breast and ovarian cancer syndrome (HBOC). Identifiers: Orphanet 145, MedGen C0677776, MeSH D061325, MONDO:0003582. Disease mechanism: loss of function.

Submissions (6):

Evidence-based Network for the Interpretation of Germline Mutant Alleles (ENIGMA)
Classification: Pathogenic for Breast-ovarian cancer, familial, susceptibility to, 2. Last evaluated: 2016-10-18. Review status: reviewed by expert panel. Criteria: ENIGMA BRCA1/2 Classification Criteria (2015). Collection method: curation. Allele origin: germline.
Comment: Variant allele predicted to encode a truncated non-functional protein.

Labcorp Genetics (formerly Invitae), Labcorp
Classification: Pathogenic for Hereditary breast ovarian cancer syndrome. Last evaluated: 2022-03-26. Review status: criteria provided, single submitter. Criteria: Invitae Variant Classification Sherloc (09022015). Collection method: clinical testing. Allele origin: germline. Not counted in ClinVar's aggregate classification.
Comment: For these reasons, this variant has been classified as Pathogenic. ClinVar contains an entry for this variant (Variation ID: 266986). This premature translational stop signal has been observed in individual(s) with a personal or family history of breast and/or ovarian cancer (PMID: 29446198). This variant is not present in population databases (gnomAD no frequency). This sequence change creates a premature translational stop signal (p.Leu2375*) in the BRCA2 gene. It is expected to result in an absent or disrupted protein product. Loss-of-function variants in BRCA2 are known to be pathogenic (PMID: 20104584).

Laboratorio de Genetica e Diagnostico Molecular, Hospital Israelita Albert Einstein
Classification: Pathogenic for Breast-ovarian cancer, familial, susceptibility to, 2. Last evaluated: 2022-03-11. Review status: criteria provided, single submitter. Criteria: ACMG Guidelines, 2015. Collection method: clinical testing. Allele origin: germline. Affected: yes. Observed: 1 variant allele. Not counted in ClinVar's aggregate classification.
Comment: ACMG classification criteria: PVS1 very strong, PS4 strong, PM2 moderated

Laboratory for Molecular Medicine, Mass General Brigham Personalized Medicine
Classification: Likely pathogenic for Hereditary breast ovarian cancer syndrome. Last evaluated: 2020-06-19. Review status: criteria provided, single submitter. Criteria: ACMG Guidelines, 2015. Collection method: clinical testing. Allele origin: germline. Not counted in ClinVar's aggregate classification.
Comment: The p.Leu2375X variant in BRCA2 has been identified in 1 individual with BRCA2-related cancer (Rebbeck 2018 PubMed: 29446198) and was absent from large population studies. This nonsense variant leads to a premature termination codon at position 2375, which is predicted to lead to a truncated or absent protein. Loss of function of the BRCA2 gene is an established disease mechanism in autosomal dominant HBOC. In addition, this variant was classified as pathogenic on October 18, 2016 by the ClinGen-approved ENIGMA expert panel (ClinVar SCV000324516.1). In summary, although additional studies are required to fully establish its clinical significance, this variant meets criteria to be classified as likely pathogenic for autosomal dominant hereditary breast and ovarian cancer. ACMG/AMP codes applied: PVS1, PM2.

Consortium of Investigators of Modifiers of BRCA1/2 (CIMBA), c/o University of Cambridge
Classification: Pathogenic for Breast-ovarian cancer, familial, susceptibility to, 2. Last evaluated: 2015-10-02. Review status: criteria provided, single submitter. Criteria: CIMBA Mutation Classification guidelines May 2016. Collection method: clinical testing. Allele origin: germline. Not counted in ClinVar's aggregate classification.

BRCAlab, Lund University
Classification: Pathogenic for Breast-ovarian cancer, familial, susceptibility to, 2. Last evaluated: 2020-03-02. Review status: no assertion criteria provided. Collection method: clinical testing. Allele origin: germline. Affected: yes. Not counted in ClinVar's aggregate classification.

Literature cited by the submitters: PubMed 29446198 (cited by Labcorp Genetics (formerly Invitae), Labcorp); PubMed 20104584 (cited by Labcorp Genetics (formerly Invitae), Labcorp).